The following is an entry in ClinVar:

ClinVar aggregate classification (germline): Benign. Review status: criteria provided, multiple submitters, no conflicts (2 of 4 stars). 2 submissions from 2 submitters: Benign (2). Last evaluated 2025-11-19.

Conditions:
SLC9A1-related disorder. Also called: SLC9A1-related condition.

Submissions (2):

Labcorp Genetics (formerly Invitae), Labcorp
Classification: Benign. Last evaluated: 2025-11-19. Review status: criteria provided, single submitter. Criteria: Invitae Variant Classification Sherloc (09022015). Collection method: clinical testing. Allele origin: germline.

PreventionGenetics, part of Exact Sciences
Classification: Benign for SLC9A1-related condition. Last evaluated: 2024-11-27. Review status: criteria provided, single submitter. Criteria: ACMG Guidelines, 2015. Collection method: clinical testing. Allele origin: germline.
Comment: This variant is classified as benign based on ACMG/AMP sequence variant interpretation guidelines (Richards et al. 2015 PMID: 25741868, with internal and published modifications).

NM_003047.5(SLC9A1):c.1807_1809del (p.Thr603del)

Gene: SLC9A1 (solute carrier family 9 member A1; minus strand). Cytogenetic location: 1p36.11.
Variant type: Deletion.
Coding change: c.1807_1809del on transcript NM_003047.5 (MANE Select); coding-DNA positions 1807 to 1809, 3 bases deleted (ACC; older notation c.1807_1809delACC).
Protein change: p.Thr603del; deletes threonine 603.
Molecular consequence: inframe deletion. On other transcripts: non-coding transcript variant (1).
Genome position (GRCh38, 1-based): chr1:27,102,396-27,102,398, GGT deleted on the plus strand (ACC on the coding strand, the reverse complement: SLC9A1 is on the minus strand); deleting any 3 consecutive bases within chr1:27,102,396-27,102,400 gives the same sequence; the c. name uses the placement nearest the transcript's 3' end. VCF-style (leftmost placement, unchanged base first): chr1-27102395-CGGT-C. GRCh37 (hg19) VCF-style: chr1-27428886-CGGT-C.
Other names: c.1807_1809del (NM_003047.4); short protein forms T603del.
Identifiers: ClinVar variation 777921 (VCV000777921.9), dbSNP rs749820620, ClinGen allele CA710995.